The following is an entry in ClinVar:

ClinVar aggregate classification (germline): Conflicting classifications of pathogenicity. Review status: criteria provided, conflicting classifications (1 of 4 stars). 7 submissions from 7 submitters: Uncertain significance (3); Benign (1); Likely benign (3). Last evaluated 2026-01-18.

Conditions:
Hereditary cancer-predisposing syndrome. Also called: Tumor predisposition; Neoplastic Syndromes, Hereditary; Hereditary Cancer Syndrome; Hereditary neoplastic syndrome. Identifiers: Orphanet 140162, MedGen C0027672, MeSH D009386, MONDO:0015356.
Tuberous sclerosis 2 (TSC2). Identifiers: Orphanet 805, MedGen C1860707, MONDO:0013199, OMIM 613254.
Tuberous sclerosis syndrome (TSC). Also called: Tuberous Sclerosis Complex; Tuberous sclerosis. Identifiers: Orphanet 805, MedGen C0041341, MONDO:0001734.

Allele frequency attached by ClinVar (database versions not stated): TOPMed below 0.00001; gnomAD 0.00001; gnomAD exomes 0.00002; ExAC 0.00003; 1000 Genomes Project 30x 0.00016.
gnomAD v4.1: 46 of 1,612,508 alleles (0.0029%); highest among the groups gnomAD compares: East Asian, 0.0045%; no homozygotes.

Submissions (7):

Labcorp Genetics (formerly Invitae), Labcorp
Classification: Likely benign for Tuberous sclerosis 2. Last evaluated: 2026-01-18. Review status: criteria provided, single submitter. Criteria: Invitae Variant Classification Sherloc (09022015). Collection method: clinical testing. Allele origin: germline.

Ambry Genetics
Classification: Benign for Hereditary cancer-predisposing syndrome. Last evaluated: 2024-08-23. Review status: criteria provided, single submitter. Criteria: Ambry Variant Classification Scheme 2023. Collection method: clinical testing. Allele origin: germline.

All of Us Research Program, National Institutes of Health
Classification: Uncertain significance for Tuberous sclerosis syndrome. Last evaluated: 2024-08-13. Review status: criteria provided, single submitter. Criteria: ACMG Guidelines, 2015. Collection method: clinical testing. Allele origin: germline. Inheritance: Autosomal dominant inheritance. Observed: 7 variant alleles, 7 heterozygotes.
Comment: This missense variant replaces proline with leucine at codon 232 of the TSC2 protein. Computational prediction suggests that this variant may have deleterious impact on protein structure and function (internally defined REVEL score threshold >= 0.7, PMID: 27666373). To our knowledge, functional studies have not been reported for this variant. This variant has not been reported in individuals affected with tuberous sclerosis complex in the literature. This variant has been identified in 6/250230 chromosomes in the general population by the Genome Aggregation Database (gnomAD). The available evidence is insufficient to determine the role of this variant in disease conclusively. Therefore, this variant is classified as a Variant of Uncertain Significance.

This study involves interpretation of variants in research participants for the purpose of population health screening. Participant phenotype was not available at the time of variant classification. Additional details can be found in publication PMID: 35346344, PMCID: PMC8962531

Color Diagnostics, LLC DBA Color Health
Classification: Uncertain significance for Tuberous sclerosis syndrome. Last evaluated: 2024-03-25. Review status: criteria provided, single submitter. Criteria: ACMG Guidelines, 2015. Collection method: clinical testing. Allele origin: germline.
Comment: This missense variant replaces proline with leucine at codon 232 of the TSC2 protein. Computational prediction suggests that this variant may have deleterious impact on protein structure and function. To our knowledge, functional studies have not been reported for this variant. This variant has not been reported in individuals affected with TSC2-related disorders in the literature. This variant has been identified in 6/250230 chromosomes in the general population by the Genome Aggregation Database (gnomAD). The available evidence is insufficient to determine the role of this variant in disease conclusively. Therefore, this variant is classified as a Variant of Uncertain Significance.

Genome-Nilou Lab
Classification: Likely benign for Tuberous sclerosis 2. Last evaluated: 2021-11-07. Review status: criteria provided, single submitter. Criteria: ACMG Guidelines, 2015. Collection method: clinical testing. Allele origin: germline. Affected: no.

GeneDx
Classification: Likely benign. Last evaluated: 2019-04-02. Review status: criteria provided, single submitter. Criteria: GeneDx Variant Classification Process June 2021. Collection method: clinical testing. Allele origin: germline. Affected: yes.
Comment: In silico analysis, which includes protein predictors and evolutionary conservation, supports a deleterious effect; Has not been previously published as pathogenic or benign to our knowledge

Illumina Laboratory Services, Illumina
Classification: Uncertain significance for Tuberous sclerosis syndrome. Last evaluated: 2018-01-13. Review status: criteria provided, single submitter. Criteria: ICSL Variant Classification Criteria 13 December 2019. Collection method: clinical testing. Allele origin: germline.

NM_000548.5(TSC2):c.695C>T (p.Pro232Leu)

Gene: TSC2 (TSC complex subunit 2; plus strand). Cytogenetic location: 16p13.3.
Variant type: single nucleotide variant.
Coding change: c.695C>T on transcript NM_000548.5 (MANE Select); coding-DNA position 695, C replaced by T.
Protein change: p.Pro232Leu; replaces proline 232 with leucine.
Molecular consequence: missense variant.
Genome position (GRCh38, 1-based): chr16:2,056,690, C>T. VCF-style: chr16-2056690-C-T. GRCh37 (hg19) VCF-style: chr16-2106691-C-T.
Other names: c.695C>T, p.Pro232Leu (NM_001077183.3, NM_001114382.3, NM_001363528.2 and 3 more transcripts); c.584C>T, p.Pro195Leu (NM_001318827.2); c.548C>T, p.Pro183Leu (NM_001318829.2); c.95C>T, p.Pro32Leu (NM_001318831.2); c.728C>T, p.Pro243Leu (NM_001318832.2); short protein forms P232L, P183L, P195L, P243L, P32L.
Identifiers: ClinVar variation 486620 (VCV000486620.27), dbSNP rs760100924, ClinGen allele CA056163.